The following is an entry in ClinVar:

NM_000170.3(GLDC):c.1852G>A (p.Gly618Arg)

Gene: GLDC (glycine decarboxylase; minus strand). Cytogenetic location: 9p24.1.
Variant type: single nucleotide variant.
Coding change: c.1852G>A on transcript NM_000170.3 (MANE Select); coding-DNA position 1852, G replaced by A.
Protein change: p.Gly618Arg; replaces glycine 618 with arginine.
Molecular consequence: missense variant.
Genome position (GRCh38, 1-based): chr9:6,565,428, C>T on the plus strand (G>A on the coding strand, the complement: GLDC is on the minus strand). VCF-style: chr9-6565428-C-T. GRCh37 (hg19) VCF-style: chr9-6565428-C-T.
Other names: c.1852G>A (NM_000170.2); short protein forms G618R.
Identifiers: ClinVar variation 1052188 (VCV001052188.12), dbSNP rs758575745, ClinGen allele CA4980499.

ClinVar aggregate classification (germline): Pathogenic/Likely pathogenic. Review status: criteria provided, multiple submitters, no conflicts (2 of 4 stars). 5 submissions from 4 submitters: Pathogenic (2); Likely pathogenic (3). Last evaluated 2025-11-17.

Conditions:
Glycine encephalopathy. Also called: Nonketotic hyperglycinemia; Non-ketotic hyperglycinemia. Identifiers: Orphanet 407, MedGen C0751748, MONDO:0011612, HP:0008288.
Retinitis pigmentosa (RP). Identifiers: Orphanet 791, MedGen C0035334, MeSH D012174, MONDO:0019200, OMIM 268000. Inheritance: Autosomal dominant, autosomal recessive and X linked inheritance.
Glycine encephalopathy 1 (GCE1). Identifiers: MedGen CN376801, MONDO:0958179, OMIM 605899.

Allele frequency attached by ClinVar (database versions not stated): ExAC 0.00001; gnomAD exomes 0.00001.
gnomAD v4.1: 10 of 1,612,300 alleles (0.00062%); highest among the groups gnomAD compares: East Asian, 0.0022%; no homozygotes.

Submissions (5):

Natera, Inc.
Classification: Likely pathogenic for Non-ketotic hyperglycinemia. Last evaluated: 2025-11-17. Review status: criteria provided, single submitter. Criteria: Natera Variant Classification Schema (03/2026). Collection method: clinical testing. Allele origin: germline.
Comment: The c.1852G>A variant in GLDC is a missense variant predicted to cause substitution of glycine to arginine at amino acid 618. This variant is rare in the general population with a frequency below the threshold expected for the associated phenotype(s). This variant has been observed in one or more individuals affected with the associated recessive disease, as either homozygous or compound heterozygous with a second variant (PMID: 26179960, 27362913). Functional studies show that this variant may disrupt protein function (PMID: 26179960). Computational prediction algorithms indicate this variant is likely to affect gene or protein function. Given the available evidence, this variant is classified as Likely Pathogenic.

Labcorp Genetics (formerly Invitae), Labcorp
Classification: Likely pathogenic for Glycine encephalopathy. Last evaluated: 2024-04-22. Review status: criteria provided, single submitter. Criteria: Invitae Variant Classification Sherloc (09022015). Collection method: clinical testing. Allele origin: germline.
Comment: This sequence change replaces glycine, which is neutral and non-polar, with arginine, which is basic and polar, at codon 618 of the GLDC protein (p.Gly618Arg). This variant is present in population databases (rs758575745, gnomAD 0.006%). This missense change has been observed in individual(s) with glycine encephalopathy (PMID: 26179960). In at least one individual the data is consistent with being in trans (on the opposite chromosome) from a pathogenic variant. ClinVar contains an entry for this variant (Variation ID: 1052188). An algorithm developed to predict the effect of missense changes on protein structure and function (PolyPhen-2) suggests that this variant is likely to be disruptive. Experimental studies have shown that this missense change affects GLDC function (PMID: 26179960). Algorithms developed to predict the effect of sequence changes on RNA splicing suggest that this variant may disrupt the consensus splice site. In summary, the currently available evidence indicates that the variant is pathogenic, but additional data are needed to prove that conclusively. Therefore, this variant has been classified as Likely Pathogenic.

Fulgent Genetics
Classification: Likely pathogenic for Glycine encephalopathy 1. Last evaluated: 2024-03-15. Review status: criteria provided, single submitter. Criteria: ACMG Guidelines, 2015. Collection method: clinical testing. Allele origin: germline.

Women's Health and Genetics/Laboratory Corporation of America, LabCorp
Classification: Pathogenic for Glycine encephalopathy. Last evaluated: 2024-03-13. Review status: criteria provided, single submitter. Criteria: LabCorp Variant Classification Summary - May 2015. Collection method: clinical testing. Allele origin: germline.
Comment: Variant summary: GLDC c.1852G>A (p.Gly618Arg) results in a non-conservative amino acid change located in the Aromatic amino acid beta-eliminating lyase/threonine aldolase domain (IPR001597) of the encoded protein sequence. Five of five in-silico tools predict a damaging effect of the variant on protein function. Computational tools predict a significant impact on normal splicing: Two predict the variant weakens a canonical 3' acceptor site and two predict the variant creates a cryptic 3' acceptor site. However, these predictions have yet to be confirmed by functional studies. The variant allele was found at a frequency of 1.2e-05 in 251438 control chromosomes (gnomAD). c.1852G>A has been reported in the literature in individuals affected with Glycine Encephalopathy (Non-Ketotic Hyperglycinemia; e.g. Coughlin_2017). These data indicate that the variant is likely to be associated with disease. At least one publication reports experimental evidence evaluating an impact on protein function, finding that the variant resulted in no residual activity (Swanson_2015). The following publications have been ascertained in the context of this evaluation (PMID: 26179960, 27362913). ClinVar contains an entry for this variant (Variation ID: 1052188). Based on the evidence outlined above, the variant was classified as pathogenic.

Women's Health and Genetics/Laboratory Corporation of America, LabCorp
Classification: Pathogenic for Retinitis pigmentosa. Last evaluated: 2024-03-13. Review status: criteria provided, single submitter. Criteria: LabCorp Variant Classification Summary - May 2015. Collection method: clinical testing. Allele origin: germline.
Comment: Variant summary: EYS c.1852G>A (p.Gly618Ser) results in a non-conservative amino acid change in the encoded protein sequence. Three of five in-silico tools predict a benign effect of the variant on protein function. The variant allele was found at a frequency of 0.00016 in 188434 control chromosomes (gnomAD). This frequency is not significantly higher than expected for a pathogenic variant in EYS causing Retinitis Pigmentosa (0.00016 vs 0.0034), allowing no conclusion about variant significance. c.1852G>A has been reported in the literature in individuals affected with Retinitis Pigmentosa (Gonzalez-del Pozo_2011, Sharon_2020), including one confirmed compound heterozygote (Audo_2010). These data do not allow any conclusion about variant significance. To our knowledge, no experimental evidence demonstrating an impact on protein function has been reported. Four ClinVar submitters have assessed the variant since 2014: three classified the variant as of uncertain significance and one as likely pathogenic. Based on the evidence outlined above, the variant was classified as uncertain significance.

Literature cited by the submitters: PubMed 26179960 (cited by 3 submitters); PubMed 27362913 (cited by Natera, Inc. and Women's Health and Genetics/Laboratory Corporation of America, LabCorp).